The following is an entry in ClinVar:

ClinVar aggregate classification (germline): Pathogenic (1 of 4 stars; one submission).

Conditions:
CSMD1-associated neurodevelopmental disorder.

Submission:

Institute of Human Genetics, University of Leipzig Medical Center
Classification: Pathogenic for CSMD1-associated neurodevelopmental disorder. Last evaluated: 2026-02-23. Review status: criteria provided, single submitter. Criteria: ACMG Guidelines, 2015. Collection method: clinical testing. Allele origin: maternal. Inheritance: Autosomal recessive inheritance. Affected: yes.
Comment: Criteria applied: PM2,PVS1

Literature cited by the submitters: PubMed 38816421.

NM_033225.6(CSMD1):c.956C>G (p.Ser319Ter)

Gene: CSMD1 (CUB and Sushi multiple domains 1; minus strand). Cytogenetic location: 8p23.2.
Variant type: single nucleotide variant.
Coding change: c.956C>G on transcript NM_033225.6 (MANE Select); coding-DNA position 956, C replaced by G.
Protein change: p.Ser319Ter; replaces serine 319 with a stop codon.
Molecular consequence: nonsense.
Genome position (GRCh38, 1-based): chr8:3,708,467, G>C on the plus strand (C>G on the coding strand, the complement: CSMD1 is on the minus strand). VCF-style: chr8-3708467-G-C. GRCh37 (hg19) VCF-style: chr8-3565989-G-C.
Other names: short protein forms S319*.
Identifiers: ClinVar variation 4819123 (VCV004819123.1).